The following is an entry in ClinVar:

ClinVar aggregate classification (germline): Uncertain significance (1 of 4 stars; one submission).

Conditions:
Inborn genetic diseases. Identifiers: MedGen C0950123, MeSH D030342.

Allele frequency attached by ClinVar (database versions not stated): gnomAD 0.00001; TOPMed 0.00001.

Submission:

Ambry Genetics
Classification: Uncertain significance for Inborn genetic diseases. Last evaluated: 2021-10-30. Review status: criteria provided, single submitter. Criteria: Ambry Variant Classification Scheme 2023. Collection method: clinical testing. Allele origin: germline.
Comment: The p.R345G variant (also known as c.1033C>G), located in coding exon 11 of the ERCC2 gene, results from a C to G substitution at nucleotide position 1033. The arginine at codon 345 is replaced by glycine, an amino acid with dissimilar properties. This amino acid position is conserved. In addition, this alteration is predicted to be deleterious by in silico analysis. Since supporting evidence is limited at this time, the clinical significance of this alteration remains unclear.

NM_000400.4(ERCC2):c.1033C>G (p.Arg345Gly)

Gene: ERCC2 (ERCC excision repair 2, TFIIH core complex helicase subunit; minus strand). Cytogenetic location: 19q13.32.
Variant type: single nucleotide variant.
Coding change: c.1033C>G on transcript NM_000400.4 (MANE Select); coding-DNA position 1033, C replaced by G.
Protein change: p.Arg345Gly; replaces arginine 345 with glycine.
Molecular consequence: missense variant.
Genome position (GRCh38, 1-based): chr19:45,363,828, G>C on the plus strand (C>G on the coding strand, the complement: ERCC2 is on the minus strand). VCF-style: chr19-45363828-G-C. GRCh37 (hg19) VCF-style: chr19-45867086-G-C.
Other names: c.961C>G, p.Arg321Gly (NM_001130867.2); short protein forms R345G, R321G.
Identifiers: ClinVar variation 1771843 (VCV001771843.2), dbSNP rs1201076330, ClinGen allele CA406372638.